The following is an entry in ClinVar:

ClinVar aggregate classification (germline): Uncertain significance (1 of 4 stars; one submission).

Submission:

GeneDx
Classification: Uncertain significance. Last evaluated: 2025-04-10. Review status: criteria provided, single submitter. Criteria: GeneDx Variant Classification Process June 2021. Collection method: clinical testing. Allele origin: germline.
Comment: Not observed at significant frequency in large population cohorts (gnomAD); In silico analysis supports a deleterious effect on splicing; In silico analysis indicates that this missense variant does not alter protein structure/function; Has not been previously published as pathogenic or benign to our knowledge

NM_014991.6(WDFY3):c.5737A>G (p.Met1913Val)

Gene: WDFY3 (WD repeat and FYVE domain containing 3; minus strand). Cytogenetic location: 4q21.23.
Variant type: single nucleotide variant.
Coding change: c.5737A>G on transcript NM_014991.6 (MANE Select); coding-DNA position 5737, A replaced by G.
Protein change: p.Met1913Val; replaces methionine 1913 with valine.
Molecular consequence: missense variant.
Genome position (GRCh38, 1-based): chr4:84,753,699, T>C on the plus strand (A>G on the coding strand, the complement: WDFY3 is on the minus strand). VCF-style: chr4-84753699-T-C. GRCh37 (hg19) VCF-style: chr4-85674852-T-C.
Other names: short protein forms M1913V.
Identifiers: ClinVar variation 3391735 (VCV003391735.2).